The following is an entry in ClinVar:

ClinVar aggregate classification (germline): Uncertain significance. Review status: criteria provided, multiple submitters, no conflicts (2 of 4 stars). 2 submissions from 2 submitters: Uncertain significance (2). Last evaluated 2025-06-23.

Conditions:
Arrhythmogenic right ventricular dysplasia 13. Also called: Arrhythmogenic right ventricular dysplasia, familial, 13; ARRHYTHMOGENIC RIGHT VENTRICULAR CARDIOMYOPATHY 13. Identifiers: MedGen C3810138, MONDO:0000908, OMIM 615616.

Allele frequency attached by ClinVar (database versions not stated): ExAC 0.00003; gnomAD 0.00005; ESP Exome Variant Server 0.00008.

Submissions (2):

Ambry Genetics
Classification: Uncertain significance. Last evaluated: 2025-06-23. Review status: criteria provided, single submitter. Criteria: Ambry Variant Classification Scheme 2023. Collection method: clinical testing. Allele origin: germline.
Comment: The p.R201K variant (also known as c.602G>A), located in coding exon 5 of the CTNNA3 gene, results from a G to A substitution at nucleotide position 602. The arginine at codon 201 is replaced by lysine, an amino acid with highly similar properties. This amino acid position is conserved. In addition, this alteration is predicted to be tolerated by in silico analysis. Since supporting evidence is limited at this time, the clinical significance of this alteration remains unclear.

Labcorp Genetics (formerly Invitae), Labcorp
Classification: Uncertain significance for Arrhythmogenic right ventricular dysplasia 13. Last evaluated: 2024-10-15. Review status: criteria provided, single submitter. Criteria: Invitae Variant Classification Sherloc (09022015). Collection method: clinical testing. Allele origin: germline.
Comment: This sequence change replaces arginine, which is basic and polar, with lysine, which is basic and polar, at codon 201 of the CTNNA3 protein (p.Arg201Lys). This variant is present in population databases (rs372957321, gnomAD 0.04%), and has an allele count higher than expected for a pathogenic variant. This variant has not been reported in the literature in individuals affected with CTNNA3-related conditions. ClinVar contains an entry for this variant (Variation ID: 1945942). Invitae Evidence Modeling of protein sequence and biophysical properties (such as structural, functional, and spatial information, amino acid conservation, physicochemical variation, residue mobility, and thermodynamic stability) indicates that this missense variant is not expected to disrupt CTNNA3 protein function with a negative predictive value of 80%. In summary, the available evidence is currently insufficient to determine the role of this variant in disease. Therefore, it has been classified as a Variant of Uncertain Significance.

NM_013266.4(CTNNA3):c.602G>A (p.Arg201Lys)

Gene: CTNNA3 (catenin alpha 3; minus strand). Cytogenetic location: 10q21.3.
Variant type: single nucleotide variant.
Coding change: c.602G>A on transcript NM_013266.4 (MANE Select); coding-DNA position 602, G replaced by A.
Protein change: p.Arg201Lys; replaces arginine 201 with lysine.
Molecular consequence: missense variant.
Genome position (GRCh38, 1-based): chr10:67,219,848, C>T on the plus strand (G>A on the coding strand, the complement: CTNNA3 is on the minus strand). VCF-style: chr10-67219848-C-T. GRCh37 (hg19) VCF-style: chr10-68979606-C-T.
Other names: c.602G>A (NM_013266.2); c.602G>A, p.Arg201Lys (NM_001127384.3); c.638G>A, p.Arg213Lys (NM_001291133.2); short protein forms R201K, R213K.
Identifiers: ClinVar variation 1945942 (VCV001945942.7), dbSNP rs372957321, ClinGen allele CA5520536.
Genomic context (GRCh38, chr10:67,219,848, plus strand): 5'-ATTGAATGCAAGAGGGGAGAGTTCTCCTTCAGTGAAGCTCGGGCTCCTGCAATTTCATCT[C>T]TCTGATTTGGAGATTTTAAGTCCTGAGAAGGTAAATAAAAAGAGTGGTATCTTACAATGG-3'
Protein context (NP_037398.2, residues 191-211): RQQDLKSPNQ[Arg201Lys]DEIAGARASL